The following is an entry in ClinVar:

NM_170601.5(SIAE):c.149del (p.Phe50fs)

Gene: SIAE (sialic acid acetylesterase; minus strand). Cytogenetic location: 11q24.2.
Variant type: Deletion.
Coding change: c.149del on transcript NM_170601.5 (MANE Select); coding-DNA position 149, one base deleted (T; older notation c.149delT).
Protein change: p.Phe50fs; shifts the reading frame from phenylalanine 50.
Molecular consequence: frameshift variant.
Genome position (GRCh38, 1-based): chr11:124,669,440, A deleted on the plus strand (T on the coding strand, the reverse complement: SIAE is on the minus strand); the first of 2 consecutive A bases (chr11:124,669,440-124,669,441); deleting either gives the same sequence. VCF-style (leftmost placement, unchanged base first): chr11-124669439-GA-G. GRCh37 (hg19) VCF-style: chr11-124539335-GA-G.
Other names: c.44del, p.Phe15fs (NM_001199922.2); short protein forms F15fs, F50fs.
Identifiers: ClinVar variation 2756777 (VCV002756777.3), dbSNP rs2496952730, ClinGen allele CA2697559048.

ClinVar aggregate classification (germline): Uncertain significance (1 of 4 stars; one submission).

Submission:

Labcorp Genetics (formerly Invitae), Labcorp
Classification: Uncertain significance. Last evaluated: 2023-08-30. Review status: criteria provided, single submitter. Criteria: Invitae Variant Classification Sherloc (09022015). Collection method: clinical testing. Allele origin: germline.
Comment: This variant has not been reported in the literature in individuals affected with SIAE-related conditions. This variant is not present in population databases (gnomAD no frequency). This sequence change creates a premature translational stop signal (p.Phe50Serfs*8) in the SIAE gene. It is expected to result in an absent or disrupted protein product. However, the current clinical and genetic evidence is not sufficient to establish whether loss-of-function variants in SIAE cause disease. In summary, the available evidence is currently insufficient to determine the role of this variant in disease. Therefore, it has been classified as a Variant of Uncertain Significance.